The following is an entry in ClinVar:

NM_000090.4(COL3A1):c.-8A>G

Gene: COL3A1 (collagen type III alpha 1 chain; plus strand). Cytogenetic location: 2q32.2.
Variant type: single nucleotide variant.
Coding change: c.-8A>G on transcript NM_000090.4 (MANE Select); 8 bases upstream of the start codon, A replaced by G.
Molecular consequence: 5 prime UTR variant.
Genome position (GRCh38, 1-based): chr2:188,974,482, A>G. VCF-style: chr2-188974482-A-G. GRCh37 (hg19) VCF-style: chr2-189839208-A-G.
Identifiers: ClinVar variation 3386420 (VCV003386420.1).

ClinVar aggregate classification (germline): Uncertain significance (1 of 4 stars; one submission).

Conditions:
Ehlers-Danlos syndrome, type 4 (EDSVASC). Also called: Ehlers-Danlos syndrome vascular type; Ehlers Danlos syndrome, ecchymotic type; Ehlers Danlos syndrome, arterial type; Ehlers Danlos syndrome, Sack-Barabas type; Ehlers-Danlos Syndrome Type IV. Identifiers: Orphanet 286, MedGen C0268338, MONDO:0017314, OMIM 130050.

gnomAD v4.1: 5 of 1,606,782 alleles (0.00031%); highest among the groups gnomAD compares: South Asian, 0.0055%; no homozygotes.

Submission:

All of Us Research Program, National Institutes of Health
Classification: Uncertain significance for Ehlers-Danlos syndrome, type 4. Last evaluated: 2024-03-24. Review status: criteria provided, single submitter. Criteria: ACMG Guidelines, 2015. Collection method: clinical testing. Allele origin: germline. Inheritance: Autosomal dominant inheritance. Observed: 1 variant allele, 1 heterozygote.
Comment: This variant is located in the 5' untranslated region of the COL3A1 gene. To our knowledge, functional studies have not been reported for this variant. This variant has not been reported in individuals affected with COL3A1-related disorders in the literature. This variant has not been identified in the general population by the Genome Aggregation Database (gnomAD). The available evidence is insufficient to determine the role of this variant in disease conclusively. Therefore, this variant is classified as a Variant of Uncertain Significance.

This study involves interpretation of variants in research participants for the purpose of population health screening. Participant phenotype was not available at the time of variant classification. Additional details can be found in publication PMID: 35346344, PMCID: PMC8962531